The following is an entry in ClinVar:

NM_001085458.2(CTNND1):c.957-11A>G

Genes: CTNND1 (catenin delta 1; plus strand), TMX2-CTNND1 (TMX2-CTNND1 readthrough (NMD candidate); plus strand). Cytogenetic location: 11q12.1.
Variant type: single nucleotide variant.
Coding change: c.957-11A>G on transcript NM_001085458.2 (MANE Select); 11 bases into the intron before coding-DNA position 957, A replaced by G.
Molecular consequence: intron variant.
Genome position (GRCh38, 1-based): chr11:57,801,722, A>G. VCF-style: chr11-57801722-A-G. GRCh37 (hg19) VCF-style: chr11-57569194-A-G.
Other names: c.957-11A>G (NM_001085462.2, NM_001206885.2, NM_001085459.2 and 3 more transcripts); c.795-11A>G (NM_001206883.2, NM_001206884.2, NM_001206886.2 and 4 more transcripts); c.654-11A>G (NM_001085463.2, NM_001085466.2, NM_001085464.2 and 5 more transcripts).
Identifiers: ClinVar variation 1702545 (VCV001702545.3), dbSNP rs2137120536, ClinGen allele CA2580084320.

ClinVar aggregate classification (germline): Uncertain significance (1 of 4 stars; one submission).

Submission:

GeneDx
Classification: Uncertain significance. Last evaluated: 2025-05-16. Review status: criteria provided, single submitter. Criteria: GeneDx Variant Classification Process June 2021. Collection method: clinical testing. Allele origin: germline.
Comment: Has not been previously published as pathogenic or benign to our knowledge; Not observed at significant frequency in large population cohorts (gnomAD); In silico analysis supports a deleterious effect on splicing